The following is an entry in ClinVar:

NM_000506.5(F2):c.629T>C (p.Leu210Ser)

Gene: F2 (coagulation factor II, thrombin; plus strand). Cytogenetic location: 11p11.2.
Variant type: single nucleotide variant.
Coding change: c.629T>C on transcript NM_000506.5 (MANE Select); coding-DNA position 629, T replaced by C.
Protein change: p.Leu210Ser; replaces leucine 210 with serine.
Molecular consequence: missense variant.
Genome position (GRCh38, 1-based): chr11:46,725,928, T>C. VCF-style: chr11-46725928-T-C. GRCh37 (hg19) VCF-style: chr11-46747478-T-C.
Other names: short protein forms L210S.
Identifiers: ClinVar variation 3091424 (VCV003091424.3), dbSNP rs948273916, ClinGen allele CA221651942.

ClinVar aggregate classification (germline): Conflicting classifications of pathogenicity. Review status: criteria provided, conflicting classifications (1 of 4 stars). 2 submissions from 2 submitters: Uncertain significance (1); Likely benign (1). Last evaluated 2024-10-30.

Conditions:
Inborn genetic diseases. Identifiers: MedGen C0950123, MeSH D030342.
Congenital prothrombin deficiency. Also called: HYPOPROTHROMBINEMIA; Factor II deficiency; Hereditary factor II deficiency disease; Inherited hypoprothrombinemia; Congenital factor II deficiency; Inherited prothrombin deficiency. Identifiers: Orphanet 325, MedGen C0272317, MONDO:0013361, OMIM 613679.

Allele frequency attached by ClinVar (database versions not stated): gnomAD exomes below 0.00001; gnomAD 0.00001; TOPMed 0.00002.
gnomAD v4.1: 3 of 1,613,736 alleles (0.00019%); highest among the groups gnomAD compares: African/African-American, 0.004%; no homozygotes.

Submissions (2):

Labcorp Genetics (formerly Invitae), Labcorp
Classification: Uncertain significance for Congenital prothrombin deficiency. Last evaluated: 2024-10-30. Review status: criteria provided, single submitter. Criteria: Invitae Variant Classification Sherloc (09022015). Collection method: clinical testing. Allele origin: germline.
Comment: This sequence change replaces leucine, which is neutral and non-polar, with serine, which is neutral and polar, at codon 210 of the F2 protein (p.Leu210Ser). This variant is not present in population databases (gnomAD no frequency). This variant has not been reported in the literature in individuals affected with F2-related conditions. ClinVar contains an entry for this variant (Variation ID: 3091424). Invitae Evidence Modeling of protein sequence and biophysical properties (such as structural, functional, and spatial information, amino acid conservation, physicochemical variation, residue mobility, and thermodynamic stability) indicates that this missense variant is not expected to disrupt F2 protein function with a negative predictive value of 80%. In summary, the available evidence is currently insufficient to determine the role of this variant in disease. Therefore, it has been classified as a Variant of Uncertain Significance.

Ambry Genetics
Classification: Likely benign for Inborn genetic diseases. Last evaluated: 2024-02-26. Review status: criteria provided, single submitter. Criteria: Ambry Variant Classification Scheme 2023. Collection method: clinical testing. Allele origin: germline.